The following is an entry in ClinVar:

ClinVar aggregate classification (germline): Uncertain significance (1 of 4 stars; one submission).

Submission:

Ambry Genetics
Classification: Uncertain significance. Last evaluated: 2021-05-03. Review status: criteria provided, single submitter. Criteria: Ambry Variant Classification Scheme 2023. Collection method: clinical testing. Allele origin: germline.
Comment: The p.M376V variant (also known as c.1126A>G), located in coding exon 9 of the RECQL gene, results from an A to G substitution at nucleotide position 1126. The methionine at codon 376 is replaced by valine, an amino acid with highly similar properties. This amino acid position is highly conserved in available vertebrate species. In addition, this alteration is predicted to be deleterious by in silico analysis. Since supporting evidence is limited at this time, the clinical significance of this alteration remains unclear.

NM_002907.4(RECQL):c.1126A>G (p.Met376Val)

Gene: RECQL (RecQ like helicase; minus strand). Cytogenetic location: 12p12.1.
Variant type: single nucleotide variant.
Coding change: c.1126A>G on transcript NM_002907.4 (MANE Select); coding-DNA position 1126, A replaced by G.
Protein change: p.Met376Val; replaces methionine 376 with valine.
Molecular consequence: missense variant.
Genome position (GRCh38, 1-based): chr12:21,475,558, T>C on the plus strand (A>G on the coding strand, the complement: RECQL is on the minus strand). VCF-style: chr12-21475558-T-C. GRCh37 (hg19) VCF-style: chr12-21628492-T-C.
Other names: c.1126A>G, p.Met376Val (NM_032941.3); short protein forms M376V.
Identifiers: ClinVar variation 1799123 (VCV001799123.2), dbSNP rs2540345087, ClinGen allele CA384120206.